The following is an entry in ClinVar:

NM_025137.4(SPG11):c.2594T>C (p.Ile865Thr)

Gene: SPG11 (SPG11 vesicle trafficking associated, spatacsin; minus strand). Cytogenetic location: 15q21.1.
Variant type: single nucleotide variant.
Coding change: c.2594T>C on transcript NM_025137.4 (MANE Select); coding-DNA position 2594, T replaced by C.
Protein change: p.Ile865Thr; replaces isoleucine 865 with threonine.
Molecular consequence: missense variant.
Genome position (GRCh38, 1-based): chr15:44,621,785, A>G on the plus strand (T>C on the coding strand, the complement: SPG11 is on the minus strand). VCF-style: chr15-44621785-A-G. GRCh37 (hg19) VCF-style: chr15-44913983-A-G.
Other names: c.2594T>C, p.Ile865Thr (NM_001160227.2); short protein forms I865T.
Identifiers: ClinVar variation 939303 (VCV000939303.9), dbSNP rs1444447384, ClinGen allele CA392231443.

ClinVar aggregate classification (germline): Uncertain significance (1 of 4 stars; one submission).

Conditions:
Hereditary spastic paraplegia 11. Also called: SPASTIC PARAPLEGIA, AUTOSOMAL RECESSIVE, COMPLICATED, WITH THIN CORPUS CALLOSUM; SPASTIC PARAPLEGIA, AUTOSOMAL RECESSIVE, WITH MENTAL IMPAIRMENT AND THIN CORPUS CALLOSUM; Spastic paraplegia, mental retardation and thin corpus callosum; Nakamura Osame syndrome; Autosomal recessive hereditary spastic paraplegia, mental impairment, and thin corpus callosum; Spastic Paraplegia 11. Identifiers: Orphanet 2822, MedGen C1858479, MONDO:0011445, OMIM 604360.

Allele frequency attached by ClinVar (database versions not stated): gnomAD exomes below 0.00001; TOPMed below 0.00001; gnomAD 0.00001.

Submission:

Labcorp Genetics (formerly Invitae), Labcorp
Classification: Uncertain significance for Hereditary spastic paraplegia 11. Last evaluated: 2021-08-01. Review status: criteria provided, single submitter. Criteria: Invitae Variant Classification Sherloc (09022015). Collection method: clinical testing. Allele origin: germline.
Comment: In summary, the available evidence is currently insufficient to determine the role of this variant in disease. Therefore, it has been classified as a Variant of Uncertain Significance. Algorithms developed to predict the effect of missense changes on protein structure and function (SIFT, PolyPhen-2, Align-GVGD) all suggest that this variant is likely to be disruptive, but these predictions have not been confirmed by published functional studies and their clinical significance is uncertain. This variant has not been reported in the literature in individuals with SPG11-related conditions. This variant is not present in population databases (ExAC no frequency). This sequence change replaces isoleucine with threonine at codon 865 of the SPG11 protein (p.Ile865Thr). The isoleucine residue is highly conserved and there is a moderate physicochemical difference between isoleucine and threonine.